The following is an entry in ClinVar:

NM_001267550.2(TTN):c.81374C>T (p.Thr27125Ile)

Genes: TTN (titin; minus strand), TTN-AS1 (TTN antisense RNA 1; plus strand). Cytogenetic location: 2q31.2.
Variant type: single nucleotide variant.
Coding change: c.81374C>T on transcript NM_001267550.2 (MANE Select); coding-DNA position 81374, C replaced by T.
Protein change: p.Thr27125Ile; replaces threonine 27125 with isoleucine.
Molecular consequence: missense variant.
Genome position (GRCh38, 1-based): chr2:178,564,758, G>A on the plus strand (C>T on the coding strand, the complement: TTN is on the minus strand). VCF-style: chr2-178564758-G-A. GRCh37 (hg19) VCF-style: chr2-179429485-G-A.
Other names: c.76451C>T, p.Thr25484Ile (NM_001256850.1); c.54179C>T, p.Thr18060Ile (NM_003319.4); c.73670C>T, p.Thr24557Ile (NM_133378.4); c.54554C>T, p.Thr18185Ile (NM_133432.3); c.54755C>T, p.Thr18252Ile (NM_133437.4); short protein forms T18060I, T18185I, T18252I, T24557I, T25484I, T27125I.
Identifiers: ClinVar variation 1163806 (VCV001163806.6), dbSNP rs1407261959, ClinGen allele CA349581677.

ClinVar aggregate classification (germline): Uncertain significance. Review status: criteria provided, multiple submitters, no conflicts (2 of 4 stars). 2 submissions from 2 submitters: Uncertain significance (2). Last evaluated 2025-12-03.

Allele frequency attached by ClinVar (database versions not stated): gnomAD 0.00001.
gnomAD v4.1: 1 of 1,612,318 alleles (0.000062%); highest among the groups gnomAD compares: African/African-American, 0.0013%; no homozygotes.

Submissions (2):

Women's Health and Genetics/Laboratory Corporation of America, LabCorp
Classification: Uncertain significance. Last evaluated: 2025-12-03. Review status: criteria provided, single submitter. Criteria: LabCorp Variant Classification Summary - May 2015. Collection method: clinical testing. Allele origin: germline.
Comment: Variant summary: TTN NM_133378c.73670C>T (p.Thr24557Ile), also known as NM_001267550 c.81374C>T (p.Thr27125Ile), results in a non-conservative amino acid change located in the A-band region of the encoded protein sequence. Algorithms developed to predict the effect of missense changes on protein structure and function are either unavailable or do not agree on the potential impact of this missense change. The variant was absent in 245124 control chromosomes. The available data on variant occurrences in the general population are insufficient to allow any conclusion about variant significance. To our knowledge, no occurrence of c.73670C>T in individuals affected with TTN-related conditions and no experimental evidence demonstrating its impact on protein function have been reported. ClinVar contains an entry for this variant (Variation ID: 1163806). Based on the evidence outlined above, the variant was classified as uncertain significance.

Mayo Clinic Laboratories, Mayo Clinic
Classification: Uncertain significance. Last evaluated: 2021-02-18. Review status: criteria provided, single submitter. Criteria: ACMG Guidelines, 2015. Collection method: clinical testing. Allele origin: germline. Observed: 1 variant allele.